The following is an entry in ClinVar:

ClinVar aggregate classification (germline): Pathogenic (1 of 4 stars; one submission).

Conditions:
Hereditary breast ovarian cancer syndrome. Also called: Hereditary breast and ovarian cancer syndrome (HBOC); Breast and ovarian cancer; Hereditary breast and ovarian cancer; Hereditary breast and ovarian cancer syndrome; BRCA1- and BRCA2-Associated Hereditary Breast and Ovarian Cancer; Hereditary breast and/or ovarian cancer syndrome. Identifiers: Orphanet 145, MedGen C0677776, MeSH D061325, MONDO:0003582. Disease mechanism: loss of function.

Submission:

Labcorp Genetics (formerly Invitae), Labcorp
Classification: Pathogenic for Hereditary breast ovarian cancer syndrome. Last evaluated: 2024-01-24. Review status: criteria provided, single submitter. Criteria: Invitae Variant Classification Sherloc (09022015). Collection method: clinical testing. Allele origin: germline.
Comment: This sequence change creates a premature translational stop signal (p.Cys1513Trpfs*8) in the BRCA1 gene. It is expected to result in an absent or disrupted protein product. Loss-of-function variants in BRCA1 are known to be pathogenic (PMID: 20104584). This variant is not present in population databases (gnomAD no frequency). This variant has not been reported in the literature in individuals affected with BRCA1-related conditions. For these reasons, this variant has been classified as Pathogenic.

Literature cited by the submitters: PubMed 20104584.

NM_007294.4(BRCA1):c.4538dup (p.Cys1513fs)

Gene: BRCA1 (BRCA1 DNA repair associated; minus strand). Cytogenetic location: 17q21.31.
Variant type: Duplication.
Coding change: c.4538dup on transcript NM_007294.4 (MANE Select); coding-DNA position 4538, one base duplicated (G; older notation c.4538dupG).
Protein change: p.Cys1513fs; shifts the reading frame from cysteine 1513.
Molecular consequence: frameshift variant. On other transcripts: intron variant (3).
Genome position (GRCh38, 1-based): chr17:43,074,468, C duplicated on the plus strand (G on the coding strand, the reverse complement: BRCA1 is on the minus strand). VCF-style (leftmost placement, unchanged base first): chr17-43074467-G-GC. GRCh37 (hg19) VCF-style: chr17-41226484-G-GC.
Other names: c.887dup, p.Cys296fs (NM_001408509.1); c.848dup, p.Cys283fs (NM_001408510.1); c.845dup, p.Cys282fs (NM_001408511.1); c.4397dup, p.Cys1466fs (NM_007297.4, NM_001407692.1, NM_001407694.1 and 13 more transcripts); c.1226dup, p.Cys409fs (NM_007298.4, NM_007299.4, NM_001407979.1 and 12 more transcripts); c.4601dup, p.Cys1534fs (NM_007300.4, NM_001407583.1, NM_001407585.1 and 1 more transcripts); c.1226dup, p.Cys409Trpfs (NM_007304.2); c.836-3230dup (NM_001408513.1); and 72 more; short protein forms C1344fs, C1386fs, C1423fs, C1466fs, C1216fs, C1402fs, C1424fs, C1441fs.
Identifiers: ClinVar variation 2693388 (VCV002693388.3), dbSNP rs2551490627, ClinGen allele CA2697559974.